The following is an entry in ClinVar:

ClinVar aggregate classification (germline): Uncertain significance (1 of 4 stars; one submission).

Conditions:
VPS13A-related neurodegenerative disease. Also called: VPS13A Disease; Choreaacanthocytosis; Chorea-acanthocytosis; LEVINE-CRITCHLEY SYNDROME; Choreoacanthocytosis; ACANTHOCYTOSIS WITH NEUROLOGIC DISORDER. Identifiers: Orphanet 2388, MedGen C0393576, MONDO:0008695, OMIM 200150.

Allele frequency attached by ClinVar (database versions not stated): gnomAD exomes below 0.00001 and 0.00001; ExAC 0.00001; gnomAD 0.00001; TOPMed 0.00003.
gnomAD v4.1: 9 of 1,613,832 alleles (0.00056%); highest among the groups gnomAD compares: East Asian, 0.0045%; 1 homozygote.

Submission:

Illumina Laboratory Services, Illumina
Classification: Uncertain significance for VPS13A-related neurodegenerative disease. Last evaluated: 2017-04-28. Review status: criteria provided, single submitter. Criteria: ICSL Variant Classification Criteria 13 December 2019. Collection method: clinical testing. Allele origin: germline.
Comment: This variant was observed as part of a predisposition screen in an ostensibly healthy population. A literature search was performed for the gene, cDNA change, and amino acid change (where applicable). Publications were found based on this search. However, the evidence from the literature, in combination with allele frequency data from public databases where available, was not sufficient to rule this variant in or out of causing disease. Therefore, this variant is classified as a variant of unknown significance.

Literature cited by the submitters: PubMed 21145924.

NM_033305.3(VPS13A):c.587A>G (p.His196Arg)

Gene: VPS13A (vacuolar protein sorting 13 homolog A; plus strand). Cytogenetic location: 9q21.2.
Variant type: single nucleotide variant.
Coding change: c.587A>G on transcript NM_033305.3 (MANE Select); coding-DNA position 587, A replaced by G.
Protein change: p.His196Arg; replaces histidine 196 with arginine.
Molecular consequence: missense variant.
Genome position (GRCh38, 1-based): chr9:77,213,000, A>G. VCF-style: chr9-77213000-A-G. GRCh37 (hg19) VCF-style: chr9-79827916-A-G.
Other names: c.587A>G, p.His196Arg (NM_001018037.2, NM_001018038.3, NM_015186.4); short protein forms H196R.
Identifiers: ClinVar variation 915060 (VCV000915060.4), dbSNP rs750690177, ClinGen allele CA5091405.